The following is an entry in ClinVar:

NM_152383.5(DIS3L2):c.883G>T (p.Asp295Tyr)

Gene: DIS3L2 (DIS3 like 3'-5' exoribonuclease 2; plus strand). Cytogenetic location: 2q37.1.
Variant type: single nucleotide variant.
Coding change: c.883G>T on transcript NM_152383.5 (MANE Select); coding-DNA position 883, G replaced by T.
Protein change: p.Asp295Tyr; replaces aspartic acid 295 with tyrosine.
Molecular consequence: missense variant. On other transcripts: non-coding transcript variant (1).
Genome position (GRCh38, 1-based): chr2:232,136,652, G>T. VCF-style: chr2-232136652-G-T. GRCh37 (hg19) VCF-style: chr2-233001362-G-T.
Other names: c.883G>T, p.Asp295Tyr (NM_001257281.2); short protein forms D295Y.
Identifiers: ClinVar variation 1367868 (VCV001367868.8), dbSNP rs2106355553, ClinGen allele CA351153797.
Genomic context (GRCh38, chr2:232,136,652, plus strand): 5'-GTGCCTAGAATTTATGTGCCTCTCAAGGACTGTCCCCAGGACTTTGTGGCACGGCCTAAA[G>T]ATTATGCCAACACACTGTTCATCTGCCGCATTGTGGACTGGAAGGAGGACTGCAATTTTG-3'
Protein context (NP_689596.4, residues 285-305): CPQDFVARPK[Asp295Tyr]YANTLFICRI

ClinVar aggregate classification (germline): Uncertain significance (1 of 4 stars; one submission).

Conditions:
Perlman syndrome (PRLMNS). Identifiers: Orphanet 2849, MedGen C0796113, MONDO:0009965, OMIM 267000.

Submission:

Labcorp Genetics (formerly Invitae), Labcorp
Classification: Uncertain significance for Perlman syndrome. Last evaluated: 2023-06-07. Review status: criteria provided, single submitter. Criteria: Invitae Variant Classification Sherloc (09022015). Collection method: clinical testing. Allele origin: germline.
Comment: ClinVar contains an entry for this variant (Variation ID: 1367868). Advanced modeling of protein sequence and biophysical properties (such as structural, functional, and spatial information, amino acid conservation, physicochemical variation, residue mobility, and thermodynamic stability) performed at Invitae indicates that this missense variant is not expected to disrupt DIS3L2 protein function. This sequence change replaces aspartic acid, which is acidic and polar, with tyrosine, which is neutral and polar, at codon 295 of the DIS3L2 protein (p.Asp295Tyr). This variant is not present in population databases (gnomAD no frequency). This variant has not been reported in the literature in individuals affected with DIS3L2-related conditions. In summary, the available evidence is currently insufficient to determine the role of this variant in disease. Therefore, it has been classified as a Variant of Uncertain Significance.